The following is an entry in ClinVar:

NM_000287.4(PEX6):c.2171C>T (p.Pro724Leu)

Gene: PEX6 (peroxisomal biogenesis factor 6; minus strand). Cytogenetic location: 6p21.1.
Variant type: single nucleotide variant.
Coding change: c.2171C>T on transcript NM_000287.4 (MANE Select); coding-DNA position 2171, C replaced by T.
Protein change: p.Pro724Leu; replaces proline 724 with leucine.
Molecular consequence: missense variant.
Genome position (GRCh38, 1-based): chr6:42,966,371, G>A on the plus strand (C>T on the coding strand, the complement: PEX6 is on the minus strand). VCF-style: chr6-42966371-G-A. GRCh37 (hg19) VCF-style: chr6-42934109-G-A.
Other names: c.1907C>T, p.Pro636Leu (NM_001316313.2); short protein forms P636L, P724L.
Identifiers: ClinVar variation 1014400 (VCV001014400.8), dbSNP rs201270008, ClinGen allele CA3811106.

ClinVar aggregate classification (germline): Uncertain significance (1 of 4 stars; one submission).

Conditions:
Peroxisome biogenesis disorder. Identifiers: Orphanet 79189, MedGen C1832200, MONDO:0019234. Disease mechanism: loss of function.

Allele frequency attached by ClinVar (database versions not stated): gnomAD exomes below 0.00001; TOPMed below 0.00001; ExAC 0.00001; gnomAD 0.00001; 1000 Genomes Project 30x 0.00016; 1000 Genomes Project 0.00020.

Submission:

Labcorp Genetics (formerly Invitae), Labcorp
Classification: Uncertain significance for Peroxisome biogenesis disorder. Last evaluated: 2024-02-23. Review status: criteria provided, single submitter. Criteria: Invitae Variant Classification Sherloc (09022015). Collection method: clinical testing. Allele origin: germline.
Comment: This sequence change replaces proline, which is neutral and non-polar, with leucine, which is neutral and non-polar, at codon 724 of the PEX6 protein (p.Pro724Leu). This variant is present in population databases (rs201270008, gnomAD 0.007%). This variant has not been reported in the literature in individuals affected with PEX6-related conditions. ClinVar contains an entry for this variant (Variation ID: 1014400). Advanced modeling of protein sequence and biophysical properties (such as structural, functional, and spatial information, amino acid conservation, physicochemical variation, residue mobility, and thermodynamic stability) performed at Invitae indicates that this missense variant is expected to disrupt PEX6 protein function with a positive predictive value of 80%. In summary, the available evidence is currently insufficient to determine the role of this variant in disease. Therefore, it has been classified as a Variant of Uncertain Significance.